The following is an entry in ClinVar:

NM_000352.6(ABCC8):c.3399+6G>A

Gene: ABCC8 (ATP binding cassette subfamily C member 8; minus strand). Cytogenetic location: 11p15.1.
Variant type: single nucleotide variant.
Coding change: c.3399+6G>A on transcript NM_000352.6 (MANE Select); 6 bases into the intron after coding-DNA position 3399, G replaced by A.
Molecular consequence: intron variant.
Genome position (GRCh38, 1-based): chr11:17,405,488, C>T on the plus strand (G>A on the coding strand, the complement: ABCC8 is on the minus strand). VCF-style: chr11-17405488-C-T. GRCh37 (hg19) VCF-style: chr11-17427035-C-T.
Other names: c.3396+6G>A (NM_001351297.2); c.3399+6G>A (NM_001351296.2); c.3465+6G>A (NM_001351295.2); c.3402+6G>A (NM_001287174.3).
Identifiers: ClinVar variation 930255 (VCV000930255.4), dbSNP rs1954472209, ClinGen allele CA1139661851.

ClinVar aggregate classification (germline): Uncertain significance. Review status: criteria provided, multiple submitters, no conflicts (2 of 4 stars). 3 submissions from 2 submitters: Uncertain significance (3). Last evaluated 2020-02-03.

Conditions:
Maturity-onset diabetes of the young (MODY). Also called: Maturity onset diabetes mellitus in young. Identifiers: Orphanet 552, MedGen C0342276, MONDO:0018911, HP:0004904.
Transitory neonatal diabetes mellitus. Also called: Transient neonatal diabetes mellitus. Identifiers: MedGen C0342273, MONDO:0020525, HP:0008255.
Permanent neonatal diabetes mellitus (PNDM). Identifiers: Orphanet 99885, MedGen C1833104, MONDO:0100164, MONDO:0011643. Disease mechanism: gain of function.

Allele frequency attached by ClinVar (database versions not stated): gnomAD 0.00001; 1000 Genomes Project 30x 0.00016.
gnomAD v4.1: 1 of 1,614,236 alleles (0.000062%); highest among the groups gnomAD compares: African/African-American, 0.0013%; no homozygotes.

Submissions (3):

Centre for Mendelian Genomics, University Medical Centre Ljubljana
Classification: Uncertain significance for Permanent neonatal diabetes mellitus 1. Last evaluated: 2020-02-03. Review status: criteria provided, single submitter. Criteria: ACMG Guidelines, 2015. Collection method: clinical testing. Allele origin: unknown. Affected: yes.
Comment: This variant was classified as: Uncertain significance. The available evidence on this variant's pathogenicity is insufficient or conflicting. The following ACMG criteria were applied in classifying this variant: PM2.

Clinical Genomics, Uppaluri K&H Personalized Medicine Clinic
Classification: Uncertain significance for Maturity-onset diabetes of the young. Review status: criteria provided, single submitter. Criteria: K & H Uppaluri Personalized Medicine Clinic Variant Classification & Assertion Criteria_Updated V.1. Collection method: research. Allele origin: somatic. Inheritance: Somatic mutation.
Comment: Mutations in ABCC8 gene are associated with both neonatal diabetes mellitus as well as MODY. Patients with this mutation may have a better response to sulfonylureas. However, no sufficient evidence is found to ascertain the role of this particular variant (rs1954472209) in MODY yet.

Clinical Genomics, Uppaluri K&H Personalized Medicine Clinic
Classification: Uncertain significance for Transitory neonatal diabetes mellitus. Review status: criteria provided, single submitter. Criteria: K & H Uppaluri Personalized Medicine Clinic Variant Classification & Assertion Criteria_Updated V.1. Collection method: research. Allele origin: somatic. Inheritance: Somatic mutation.
Comment: Mutations in ABCC8 gene are associated with both neonatal diabetes mellitus as well as MODY. Patients with this mutation may have a better response to sulfonylureas. However, no sufficient evidence is found to ascertain the role of this particular variant (rs1954472209) in neonatal diabetes yet.

Literature cited by the submitters: PubMed 16885549 (cited by Clinical Genomics, Uppaluri K&H Personalized Medicine Clinic); PubMed 21989597 (cited by Clinical Genomics, Uppaluri K&H Personalized Medicine Clinic); PubMed 27538677 (cited by Clinical Genomics, Uppaluri K&H Personalized Medicine Clinic); PubMed 18981553 (cited by Clinical Genomics, Uppaluri K&H Personalized Medicine Clinic); PubMed 16613899 (cited by Clinical Genomics, Uppaluri K&H Personalized Medicine Clinic); PubMed 32027066 (cited by Clinical Genomics, Uppaluri K&H Personalized Medicine Clinic); PubMed 18025408 (cited by Clinical Genomics, Uppaluri K&H Personalized Medicine Clinic); PubMed 32792356 (cited by Clinical Genomics, Uppaluri K&H Personalized Medicine Clinic).